The following is an entry in ClinVar:

ClinVar aggregate classification (germline): Uncertain significance. Review status: criteria provided, multiple submitters, no conflicts (2 of 4 stars). 2 submissions from 2 submitters: Uncertain significance (2). Last evaluated 2025-12-06.

Conditions:
Polycystic kidney disease, adult type (PKD1). Also called: Polycystic Kidney Disease 1, Autosomal Dominant; Polycystic kidney disease 1; Polycystic kidney disease 1, severe; POLYCYSTIC KIDNEY DISEASE, ADULT, TYPE I; Polycystic Kidney, Autosomal Dominant; POLYCYSTIC KIDNEY DISEASE 1 WITH OR WITHOUT POLYCYSTIC LIVER DISEASE. Identifiers: MedGen C3149841, MONDO:0008263, OMIM 173900.
PKD1-related disorder. Also called: PKD1-related condition.

Submissions (2):

PreventionGenetics, part of Exact Sciences
Classification: Uncertain significance for PKD1-related condition. Last evaluated: 2025-12-06. Review status: criteria provided, single submitter. Criteria: ACMG Guidelines, 2015. Collection method: clinical testing. Allele origin: germline.
Comment: The PKD1 c.3341T>C variant is predicted to result in the amino acid substitution p.Leu1114Pro. To our knowledge, this variant has not been reported in the literature or in a large population database (gnomAD), indicating this variant is rare. At this time, the clinical significance of this variant is uncertain due to the absence of conclusive functional and genetic evidence.

Department of Pathology and Laboratory Medicine, Sinai Health System
Classification: Uncertain significance for Polycystic kidney disease, adult type. Last evaluated: 2019-12-24. Review status: criteria provided, single submitter. Criteria: ACMG Guidelines, 2015. Collection method: clinical testing. Allele origin: germline. Affected: yes.

NM_001009944.3(PKD1):c.3341T>C (p.Leu1114Pro)

Gene: PKD1 (polycystin 1, transient receptor potential channel interacting; minus strand). Cytogenetic location: 16p13.3.
Variant type: single nucleotide variant.
Coding change: c.3341T>C on transcript NM_001009944.3 (MANE Select); coding-DNA position 3341, T replaced by C.
Protein change: p.Leu1114Pro; replaces leucine 1114 with proline.
Molecular consequence: missense variant.
Genome position (GRCh38, 1-based): chr16:2,111,826, A>G on the plus strand (T>C on the coding strand, the complement: PKD1 is on the minus strand). VCF-style: chr16-2111826-A-G. GRCh37 (hg19) VCF-style: chr16-2161827-A-G.
Other names: c.3341T>C, p.Leu1114Pro (NM_000296.4); short protein forms L1114P.
Identifiers: ClinVar variation 3892006 (VCV003892006.2).
Genomic context (GRCh38, chr16:2,111,826, plus strand): 5'-CTCACACCCACAGCCACGGAGGGCAGGGAGGCGCGCACGCTCACAGGCACCTGCTGCGTC[A>G]GGTTCTCGAAGGCATTAGATGCCAGCACGGTCAGGAGGTACTCACCTGTGGGGACAGGCC-3'
Protein context (NP_001009944.3, residues 1104-1124): TVLASNAFEN[Leu1114Pro]TQQVPVSVRA